The following is an entry in ClinVar:

NM_001164277.2(SLC37A4):c.381+5G>A

Gene: SLC37A4 (solute carrier family 37 member 4; minus strand). Cytogenetic location: 11q23.3.
Variant type: single nucleotide variant.
Coding change: c.381+5G>A on transcript NM_001164277.2 (MANE Select); 5 bases into the intron after coding-DNA position 381, G replaced by A.
Molecular consequence: intron variant.
Genome position (GRCh38, 1-based): chr11:119,028,189, C>T on the plus strand (G>A on the coding strand, the complement: SLC37A4 is on the minus strand). VCF-style: chr11-119028189-C-T. GRCh37 (hg19) VCF-style: chr11-118898899-C-T.
Other names: c.162+5G>A (NM_001164279.2); c.381+5G>A (NM_001467.6, NM_001164278.2, NM_001164280.2).
Identifiers: ClinVar variation 2178065 (VCV002178065.4), dbSNP rs782530432, ClinGen allele CA6311853.

ClinVar aggregate classification (germline): Uncertain significance (1 of 4 stars; one submission).

Conditions:
Glucose-6-phosphate transport defect (GSD1B). Also called: GSD Ib; Glycogen Storage Disease Type Ib. Identifiers: Orphanet 364, Orphanet 79259, MedGen C0268146, MONDO:0009288, OMIM 232220.

Allele frequency attached by ClinVar (database versions not stated): gnomAD exomes below 0.00001; TOPMed below 0.00001; gnomAD 0.00001; ExAC 0.00003.

Submission:

Labcorp Genetics (formerly Invitae), Labcorp
Classification: Uncertain significance for Glucose-6-phosphate transport defect. Last evaluated: 2023-11-04. Review status: criteria provided, single submitter. Criteria: Invitae Variant Classification Sherloc (09022015). Collection method: clinical testing. Allele origin: germline.
Comment: This sequence change falls in intron 4 of the SLC37A4 gene. It does not directly change the encoded amino acid sequence of the SLC37A4 protein. It affects a nucleotide within the consensus splice site. This variant is not present in population databases (gnomAD no frequency). This variant has not been reported in the literature in individuals affected with SLC37A4-related conditions. ClinVar contains an entry for this variant (Variation ID: 2178065). Variants that disrupt the consensus splice site are a relatively common cause of aberrant splicing (PMID: 17576681, 9536098). Algorithms developed to predict the effect of sequence changes on RNA splicing suggest that this variant may disrupt the consensus splice site. In summary, the available evidence is currently insufficient to determine the role of this variant in disease. Therefore, it has been classified as a Variant of Uncertain Significance.

Literature cited by the submitters: PubMed 17576681; PubMed 9536098.